The following is an entry in ClinVar:

NM_003924.4(PHOX2B):c.762A>G (p.Ala254=)

Genes: PHOX2B (paired like homeobox 2B; minus strand), LOC110011216 (paired like homeobox 2b polyalanine repeat instability region; plus strand). Cytogenetic location: 4p13.
Variant type: single nucleotide variant.
Coding change: c.762A>G on transcript NM_003924.4 (MANE Select); coding-DNA position 762, A replaced by G.
Protein change: p.Ala254=; no amino-acid change (alanine 254 retained).
Molecular consequence: synonymous variant.
Genome position (GRCh38, 1-based): chr4:41,745,990, T>C on the plus strand (A>G on the coding strand, the complement: PHOX2B is on the minus strand). VCF-style: chr4-41745990-T-C. GRCh37 (hg19) VCF-style: chr4-41748007-T-C.
Identifiers: ClinVar variation 695516 (VCV000695516.15), dbSNP rs17884724, ClinGen allele CA439143007.

ClinVar aggregate classification (germline): Likely benign. Review status: criteria provided, multiple submitters, no conflicts (2 of 4 stars). 3 submissions from 3 submitters: Likely benign (2). 1 of the submissions does not count toward it. Last evaluated 2023-04-25.

Conditions:
Haddad syndrome (OHD). Also called: Ondine-Hirschsprung disease. Identifiers: Orphanet 99803, MedGen C1859049, MONDO:0020493.
PHOX2B-related disorder. Also called: PHOX2B-related condition.
Hereditary cancer-predisposing syndrome. Also called: Neoplastic Syndromes, Hereditary; Hereditary Cancer Syndrome; Tumor predisposition; Hereditary neoplastic syndrome. Identifiers: Orphanet 140162, MedGen C0027672, MeSH D009386, MONDO:0015356.

gnomAD v4.1: 3 of 1,235,968 alleles (0.00024%); highest among the groups gnomAD compares: African/African-American, 0.0016%; no homozygotes.

Submissions (3):

Labcorp Genetics (formerly Invitae), Labcorp
Classification: Likely benign for Haddad syndrome. Last evaluated: 2023-04-25. Review status: criteria provided, single submitter. Criteria: Invitae Variant Classification Sherloc (09022015). Collection method: clinical testing. Allele origin: germline.

Ambry Genetics
Classification: Likely benign for Hereditary cancer-predisposing syndrome. Last evaluated: 2022-02-12. Review status: criteria provided, single submitter. Criteria: Ambry Variant Classification Scheme 2023. Collection method: clinical testing. Allele origin: germline.

PreventionGenetics, part of Exact Sciences
Classification: Likely benign for PHOX2B-related condition. Last evaluated: 2022-03-25. Review status: no assertion criteria provided. Collection method: clinical testing. Allele origin: germline. Not counted in ClinVar's aggregate classification.
Comment: This variant is classified as likely benign based on ACMG/AMP sequence variant interpretation guidelines (Richards et al. 2015 PMID: 25741868, with internal and published modifications).